The following is an entry in ClinVar:

ClinVar aggregate classification (germline): Uncertain significance (1 of 4 stars; one submission).

Submission:

GeneDx
Classification: Uncertain significance. Last evaluated: 2022-07-14. Review status: criteria provided, single submitter. Criteria: GeneDx Variant Classification Process June 2021. Collection method: clinical testing. Allele origin: germline. Affected: yes.
Comment: Not observed at significant frequency in large population cohorts (gnomAD); Nonsense variant predicted to result in protein truncation or nonsense-mediated decay in a gene or region of a gene for which loss of function is not a well-established mechanism of disease; Has not been previously published as pathogenic or benign to our knowledge

NM_001112741.2(KCNC1):c.1176G>A (p.Trp392Ter)

Gene: KCNC1 (potassium voltage-gated channel subfamily C member 1; plus strand). Cytogenetic location: 11p15.1.
Variant type: single nucleotide variant.
Coding change: c.1176G>A on transcript NM_001112741.2 (MANE Select); coding-DNA position 1176, G replaced by A.
Protein change: p.Trp392Ter; replaces tryptophan 392 with a stop codon.
Molecular consequence: nonsense.
Genome position (GRCh38, 1-based): chr11:17,772,270, G>A. VCF-style: chr11-17772270-G-A. GRCh37 (hg19) VCF-style: chr11-17793817-G-A.
Other names: c.1176G>A, p.Trp392Ter (NM_004976.4); short protein forms W392*.
Identifiers: ClinVar variation 2136124 (VCV002136124.1), dbSNP rs2497800893, ClinGen allele CA379808494.